The following is an entry in ClinVar:

ClinVar aggregate classification (germline): Uncertain significance (1 of 4 stars; one submission).

Submission:

Ambry Genetics
Classification: Uncertain significance. Last evaluated: 2024-10-12. Review status: criteria provided, single submitter. Criteria: Ambry Variant Classification Scheme 2023. Collection method: clinical testing. Allele origin: germline.
Comment: The p.S114P variant (also known as c.340T>C), located in coding exon 1 of the PALLD gene, results from a T to C substitution at nucleotide position 340. The serine at codon 114 is replaced by proline, an amino acid with similar properties. This amino acid position is conserved. In addition, this alteration is predicted to be tolerated by in silico analysis. Based on the available evidence, the clinical significance of this variant remains unclear.

NM_001166108.2(PALLD):c.340T>C (p.Ser114Pro)

Gene: PALLD (palladin, cytoskeletal associated protein; plus strand). Cytogenetic location: 4q32.3.
Variant type: single nucleotide variant.
Coding change: c.340T>C on transcript NM_001166108.2 (MANE Select); coding-DNA position 340, T replaced by C.
Protein change: p.Ser114Pro; replaces serine 114 with proline.
Molecular consequence: missense variant.
Genome position (GRCh38, 1-based): chr4:168,511,844, T>C. VCF-style: chr4-168511844-T-C. GRCh37 (hg19) VCF-style: chr4-169432995-T-C.
Other names: c.340T>C, p.Ser114Pro (NM_016081.4); short protein forms S114P.
Identifiers: ClinVar variation 3413540 (VCV003413540.1).